The following is an entry in ClinVar:

NM_080911.3(UNG):c.682del (p.Glu228fs)

Gene: UNG (uracil DNA glycosylase; plus strand). Cytogenetic location: 12q24.11.
Variant type: Deletion.
Coding change: c.682del on transcript NM_080911.3 (MANE Select); coding-DNA position 682, one base deleted (G; older notation c.682delG).
Protein change: p.Glu228fs; shifts the reading frame from glutamic acid 228.
Molecular consequence: frameshift variant.
Genome position (GRCh38, 1-based): chr12:109,103,492, G deleted; the last of 2 consecutive G bases (chr12:109,103,491-109,103,492); deleting either gives the same sequence. VCF-style (leftmost placement, unchanged base first): chr12-109103490-AG-A. GRCh37 (hg19) VCF-style: chr12-109541295-AG-A.
Other names: c.655del, p.Glu219fs (NM_003362.4); short protein forms E228fs, E219fs.
Identifiers: ClinVar variation 3650570 (VCV003650570.2).
Genomic context (GRCh38, chr12:109,103,490, plus strand): 5'-TAGGTGTTCTCCTTCTCAACGCTGTCCTCACGGTTCGTGCCCATCAAGCCAACTCTCATA[AG>A]GAGCGAGGCTGGGAGCAGTTCACTGATGCAGTTGTGTCCTGGCTAAATCAGAACTCGAAT-3'

ClinVar aggregate classification (germline): Pathogenic (1 of 4 stars; one submission).

Conditions:
Hyper-IgM syndrome type 5 (HIGM5). Also called: Hyper-IgM Immunodeficiency Syndrome, Type 5. Identifiers: Orphanet 101092, MedGen C1720958, MONDO:0011971, OMIM 608106.

Submission:

Labcorp Genetics (formerly Invitae), Labcorp
Classification: Pathogenic for Hyper-IgM syndrome type 5. Last evaluated: 2024-04-22. Review status: criteria provided, single submitter. Criteria: Invitae Variant Classification Sherloc (09022015). Collection method: clinical testing. Allele origin: germline.
Comment: This sequence change creates a premature translational stop signal (p.Glu228Serfs*15) in the UNG gene. It is expected to result in an absent or disrupted protein product. Loss-of-function variants in UNG are known to be pathogenic (PMID: 12958596). This variant is not present in population databases (gnomAD no frequency). This variant has not been reported in the literature in individuals affected with UNG-related conditions. For these reasons, this variant has been classified as Pathogenic.

Literature cited by the submitters: PubMed 12958596.